The following is an entry in ClinVar:

ClinVar aggregate classification (germline): Uncertain significance (1 of 4 stars; one submission).

Conditions:
DICER1-related tumor predisposition. Also called: DICER1-related pleuropulmonary blastoma cancer predisposition syndrome; DICER1 syndrome. Identifiers: Orphanet 284343, MedGen C3839822, MONDO:0100216.

Submission:

Labcorp Genetics (formerly Invitae), Labcorp
Classification: Uncertain significance for DICER1-related tumor predisposition. Last evaluated: 2021-12-21. Review status: criteria provided, single submitter. Criteria: Invitae Variant Classification Sherloc (09022015). Collection method: clinical testing. Allele origin: germline.
Comment: Algorithms developed to predict the effect of missense changes on protein structure and function (SIFT, PolyPhen-2, Align-GVGD) all suggest that this variant is likely to be disruptive. This variant has not been reported in the literature in individuals affected with DICER1-related conditions. This variant is not present in population databases (gnomAD no frequency). This sequence change replaces histidine, which is basic and polar, with tyrosine, which is neutral and polar, at codon 703 of the DICER1 protein (p.His703Tyr). In summary, the available evidence is currently insufficient to determine the role of this variant in disease. Therefore, it has been classified as a Variant of Uncertain Significance.

NM_177438.3(DICER1):c.2107C>T (p.His703Tyr)

Gene: DICER1 (dicer 1, ribonuclease III; minus strand). Cytogenetic location: 14q32.13.
Variant type: single nucleotide variant.
Coding change: c.2107C>T on transcript NM_177438.3 (MANE Select); coding-DNA position 2107, C replaced by T.
Protein change: p.His703Tyr; replaces histidine 703 with tyrosine.
Molecular consequence: missense variant. On other transcripts: non-coding transcript variant (6).
Genome position (GRCh38, 1-based): chr14:95,112,181, G>A on the plus strand (C>T on the coding strand, the complement: DICER1 is on the minus strand). VCF-style: chr14-95112181-G-A. GRCh37 (hg19) VCF-style: chr14-95578518-G-A.
Other names: c.1702C>T, p.His568Tyr (NM_001395688.1, NM_001395689.1, NM_001395690.1 and 3 more transcripts); c.1540C>T, p.His514Tyr (NM_001395691.1); c.2107C>T, p.His703Tyr (NM_001395692.1, NM_001395693.1, NM_001395694.1 and 13 more transcripts); c.424C>T, p.His142Tyr (NM_001395697.1); c.1825C>T, p.His609Tyr (NM_001395686.1); short protein forms H609Y, H514Y, H568Y, H142Y, H703Y.
Identifiers: ClinVar variation 2051077 (VCV002051077.4), dbSNP rs2542930365, ClinGen allele CA390883006.